The following is an entry in ClinVar:

NM_015512.5(DNAH1):c.9023T>C (p.Val3008Ala)

Gene: DNAH1 (dynein axonemal heavy chain 1; plus strand). Cytogenetic location: 3p21.1.
Variant type: single nucleotide variant.
Coding change: c.9023T>C on transcript NM_015512.5 (MANE Select); coding-DNA position 9023, T replaced by C.
Protein change: p.Val3008Ala; replaces valine 3008 with alanine.
Molecular consequence: missense variant.
Genome position (GRCh38, 1-based): chr3:52,388,186, T>C. VCF-style: chr3-52388186-T-C. GRCh37 (hg19) VCF-style: chr3-52422202-T-C.
Other names: c.9023T>C (NM_015512.4); short protein forms V3008A.
Identifiers: ClinVar variation 3758260 (VCV003758260.3).

ClinVar aggregate classification (germline): Uncertain significance. Review status: criteria provided, multiple submitters, no conflicts (2 of 4 stars). 2 submissions from 2 submitters: Uncertain significance (2). Last evaluated 2025-09-28.

Conditions:
Spermatogenic failure 18. Identifiers: MedGen C4539783, MONDO:0054615, OMIM 617576.
Ciliary dyskinesia, primary, 37 (CILD37). Also called: CILIARY DYSKINESIA, PRIMARY, 37, WITH OR WITHOUT SITUS INVERSUS. Identifiers: MedGen C4539798, MONDO:0033204, OMIM 617577.

gnomAD v4.1: 13 of 1,609,716 alleles (0.00081%); highest among the groups gnomAD compares: South Asian, 0.0089%; no homozygotes.

Submissions (2):

Ambry Genetics
Classification: Uncertain significance. Last evaluated: 2025-09-28. Review status: criteria provided, single submitter. Criteria: Ambry Variant Classification Scheme 2023. Collection method: clinical testing. Allele origin: germline.

Labcorp Genetics (formerly Invitae), Labcorp
Classification: Uncertain significance for Ciliary dyskinesia, primary, 37; Spermatogenic failure 18. Last evaluated: 2024-06-20. Review status: criteria provided, single submitter. Criteria: Invitae Variant Classification Sherloc (09022015). Collection method: clinical testing. Allele origin: germline.
Comment: This sequence change replaces valine, which is neutral and non-polar, with alanine, which is neutral and non-polar, at codon 3008 of the DNAH1 protein (p.Val3008Ala). This variant is present in population databases (rs765558333, gnomAD 0.02%). This variant has not been reported in the literature in individuals affected with DNAH1-related conditions. Advanced modeling of protein sequence and biophysical properties (such as structural, functional, and spatial information, amino acid conservation, physicochemical variation, residue mobility, and thermodynamic stability) performed at Invitae indicates that this missense variant is not expected to disrupt DNAH1 protein function with a negative predictive value of 80%. In summary, the available evidence is currently insufficient to determine the role of this variant in disease. Therefore, it has been classified as a Variant of Uncertain Significance.